The following is an entry in ClinVar:

NM_138694.4(PKHD1):c.4450G>A (p.Ala1484Thr)

Gene: PKHD1 (PKHD1 ciliary IPT domain containing fibrocystin/polyductin; minus strand). Cytogenetic location: 6p12.2.
Variant type: single nucleotide variant.
Coding change: c.4450G>A on transcript NM_138694.4 (MANE Select); coding-DNA position 4450, G replaced by A.
Protein change: p.Ala1484Thr; replaces alanine 1484 with threonine.
Molecular consequence: missense variant.
Genome position (GRCh38, 1-based): chr6:52,025,360, C>T on the plus strand (G>A on the coding strand, the complement: PKHD1 is on the minus strand). VCF-style: chr6-52025360-C-T. GRCh37 (hg19) VCF-style: chr6-51890158-C-T.
Other names: c.4450G>A, p.Ala1484Thr (NM_170724.3); c.4450G>A (NM_138694.3); short protein forms A1484T.
Identifiers: ClinVar variation 501696 (VCV000501696.26), dbSNP rs144905283, ClinGen allele CA3852720.

ClinVar aggregate classification (germline): Conflicting classifications of pathogenicity. Review status: criteria provided, conflicting classifications (1 of 4 stars). 6 submissions from 6 submitters: Uncertain significance (3); Likely benign (2). 1 of the submissions does not count toward it. Last evaluated 2026-05-14.

Conditions:
Autosomal recessive polycystic kidney disease (ARPKD). Also called: AR polycystic kidney disease. Identifiers: Orphanet 731, Orphanet 8378, MedGen C0085548, MeSH D017044, MONDO:0009889.
PKHD1-related disorder. Also called: PKHD1-related condition.

Allele frequency attached by ClinVar (database versions not stated): ExAC 0.00004; gnomAD exomes 0.00004 and 0.00006; ESP Exome Variant Server 0.00015; 1000 Genomes Project 0.00020; 1000 Genomes Project 30x 0.00031; gnomAD 0.00035 and 0.00039; TOPMed 0.00046.
gnomAD v4.1: 113 of 1,613,656 alleles (0.007%); highest among the groups gnomAD compares: African/African-American, 0.13%; 1 homozygote.

Submissions (6):

PreventionGenetics, part of Exact Sciences
Classification: Uncertain significance for PKHD1-related condition. Last evaluated: 2026-05-14. Review status: criteria provided, single submitter. Criteria: ACMG Guidelines, 2015. Collection method: clinical testing. Allele origin: germline.
Comment: The PKHD1 c.4450G>A variant is predicted to result in the amino acid substitution p.Ala1484Thr. This variant along with a truncating variant in this gene has been reported in one individual with kidney disease (Vaisitti et al. 2020. PubMed ID: 33226606). This variant is reported in 0.11% of alleles in individuals of African descent in gnomAD, including a homozygous individual. Although we suspect that this variant may be benign, at this time, the clinical significance of this variant is uncertain due to the absence of conclusive functional and genetic evidence.

CeGaT Center for Human Genetics Tuebingen
Classification: Likely benign. Last evaluated: 2026-03-01. Review status: criteria provided, single submitter. Criteria: CeGaT Center For Human Genetics Tuebingen Variant Classification Criteria Version 2. Collection method: clinical testing. Allele origin: germline. Affected: yes. Observed: 1 variant allele.
Comment: PKHD1: BP4

Labcorp Genetics (formerly Invitae), Labcorp
Classification: Likely benign for Autosomal recessive polycystic kidney disease. Last evaluated: 2026-01-19. Review status: criteria provided, single submitter. Criteria: Invitae Variant Classification Sherloc (09022015). Collection method: clinical testing. Allele origin: germline.

GeneDx
Classification: Uncertain significance. Last evaluated: 2025-11-18. Review status: criteria provided, single submitter. Criteria: GeneDx Variant Classification Process June 2021. Collection method: clinical testing. Allele origin: germline. Affected: yes.
Comment: In silico analysis suggests that this missense variant does not alter protein structure/function; This variant is associated with the following publications: (PMID: 33226606)

Eurofins Ntd Llc (ga)
Classification: Uncertain significance. Last evaluated: 2017-05-02. Review status: criteria provided, single submitter. Criteria: EGL Classification Definitions 2015. Collection method: clinical testing. Allele origin: germline. Observed: 1 variant allele, 1 heterozygote.

Natera, Inc.
Classification: Likely benign for Autosomal recessive polycystic kidney disease. Last evaluated: 2018-06-25. Review status: no assertion criteria provided. Collection method: clinical testing. Allele origin: germline. Not counted in ClinVar's aggregate classification.